The following is an entry in ClinVar:

NM_000016.6(ACADM):c.994C>T (p.Leu332=)

Gene: ACADM (acyl-CoA dehydrogenase medium chain; plus strand). Cytogenetic location: 1p31.1.
Variant type: single nucleotide variant.
Coding change: c.994C>T on transcript NM_000016.6 (MANE Select); coding-DNA position 994, C replaced by T.
Protein change: p.Leu332=; no amino-acid change (leucine 332 retained).
Molecular consequence: synonymous variant.
Genome position (GRCh38, 1-based): chr1:75,761,170, C>T. VCF-style: chr1-75761170-C-T. GRCh37 (hg19) VCF-style: chr1-76226855-C-T.
Other names: p.Leu332=; c.1006C>T, p.Leu336= (NM_001127328.3); c.886C>T, p.Leu296= (NM_001286042.2); c.1093C>T, p.Leu365= (NM_001286043.2); c.427C>T, p.Leu143= (NM_001286044.2).
Identifiers: ClinVar variation 298072 (VCV000298072.100), dbSNP rs138098371, ClinGen allele CA913262.

ClinVar aggregate classification (germline): Conflicting classifications of pathogenicity. Review status: criteria provided, conflicting classifications (1 of 4 stars). 11 submissions from 11 submitters: Uncertain significance (2); Likely benign (8). 1 of the submissions does not count toward it. Last evaluated 2026-08-01.

Conditions:
Inborn genetic diseases. Identifiers: MedGen C0950123, MeSH D030342.
Medium-chain acyl-coenzyme A dehydrogenase deficiency (ACADMD). Also called: MCADD; MCAD Deficiency; Medium chain acyl-CoA dehydrogenase deficiency; MCADH DEFICIENCY; ACADM DEFICIENCY; CARNITINE DEFICIENCY SECONDARY TO MEDIUM-CHAIN ACYL-CoA DEHYDROGENASE DEFICIENCY. Identifiers: Orphanet 42, MedGen C0220710, MONDO:0008721, OMIM 201450.

Allele frequency attached by ClinVar (database versions not stated): 1000 Genomes Project 30x 0.00016; 1000 Genomes Project 0.00020; gnomAD 0.00093 and 0.00094; ExAC 0.00096; TOPMed 0.00107; gnomAD exomes 0.00120; ESP Exome Variant Server 0.00146.

Submissions (11):

CeGaT Center for Human Genetics Tuebingen
Classification: Likely benign. Last evaluated: 2026-08-01. Review status: criteria provided, single submitter. Criteria: CeGaT Center For Human Genetics Tuebingen Variant Classification Criteria Version 2. Collection method: clinical testing. Allele origin: germline. Affected: yes. Observed: 11 variant alleles.
Comment: ACADM: BP4, BP7

Labcorp Genetics (formerly Invitae), Labcorp
Classification: Likely benign for Medium-chain acyl-coenzyme A dehydrogenase deficiency. Last evaluated: 2026-02-01. Review status: criteria provided, single submitter. Criteria: Invitae Variant Classification Sherloc (09022015). Collection method: clinical testing. Allele origin: germline.

Mayo Clinic Laboratories, Mayo Clinic
Classification: Likely benign. Last evaluated: 2024-12-05. Review status: criteria provided, single submitter. Criteria: ACMG Guidelines, 2015. Collection method: clinical testing. Allele origin: germline. Observed: 6 variant alleles.
Comment: BP4, BP7

Blueprint Genetics
Classification: Likely benign. Last evaluated: 2024-11-26. Review status: criteria provided, single submitter. Criteria: ACMG Guidelines, 2015. Collection method: clinical testing. Allele origin: germline.

ARUP Laboratories, Molecular Genetics and Genomics, ARUP Laboratories
Classification: Likely benign for Medium-chain acyl-coenzyme A dehydrogenase deficiency. Last evaluated: 2024-11-05. Review status: criteria provided, single submitter. Criteria: ARUP Molecular Germline Variant Investigation Process 2024. Collection method: clinical testing. Allele origin: germline.

Ambry Genetics
Classification: Likely benign for Inborn genetic diseases. Last evaluated: 2022-02-14. Review status: criteria provided, single submitter. Criteria: Ambry Variant Classification Scheme 2023. Collection method: clinical testing. Allele origin: germline.

Genome-Nilou Lab
Classification: Likely benign for Medium-chain acyl-coenzyme A dehydrogenase deficiency. Last evaluated: 2021-05-18. Review status: criteria provided, single submitter. Criteria: ACMG Guidelines, 2015. Collection method: clinical testing. Allele origin: germline. Affected: no.

GeneDx
Classification: Likely benign. Last evaluated: 2021-02-23. Review status: criteria provided, single submitter. Criteria: GeneDx Variant Classification Process June 2021. Collection method: clinical testing. Allele origin: germline. Affected: yes.
Comment: This variant is associated with the following publications: (PMID: 18241067)

Illumina Laboratory Services, Illumina
Classification: Uncertain significance for Medium-chain acyl-coenzyme A dehydrogenase deficiency. Last evaluated: 2018-01-12. Review status: criteria provided, single submitter. Criteria: ICSL Variant Classification Criteria 13 December 2019. Collection method: clinical testing. Allele origin: germline.

Eurofins Ntd Llc (ga)
Classification: Uncertain significance. Last evaluated: 2017-01-12. Review status: criteria provided, single submitter. Criteria: EGL Classification Definitions 2015. Collection method: clinical testing. Allele origin: germline. Observed: 1 variant allele, 1 heterozygote.

Natera, Inc.
Classification: Uncertain significance for Medium-chain acyl-coenzyme a dehydrogenase deficiency. Last evaluated: 2017-08-09. Review status: no assertion criteria provided. Collection method: clinical testing. Allele origin: germline. Not counted in ClinVar's aggregate classification.

Literature cited by the submitters: PubMed 22542437 (cited by Mayo Clinic Laboratories, Mayo Clinic).